The following is an entry in ClinVar:

ClinVar aggregate classification (germline): Uncertain significance (1 of 4 stars; one submission).

Submission:

CeGaT Center for Human Genetics Tuebingen
Classification: Uncertain significance. Last evaluated: 2022-07-01. Review status: criteria provided, single submitter. Criteria: CeGaT Center For Human Genetics Tuebingen Variant Classification Criteria Version 2. Collection method: clinical testing. Allele origin: germline. Affected: yes. Observed: 1 variant allele.
Comment: SALL1: PM2

NM_002968.3(SALL1):c.2431G>C (p.Gly811Arg)

Gene: SALL1 (spalt like transcription factor 1; minus strand). Cytogenetic location: 16q12.1.
Variant type: single nucleotide variant.
Coding change: c.2431G>C on transcript NM_002968.3 (MANE Select); coding-DNA position 2431, G replaced by C.
Protein change: p.Gly811Arg; replaces glycine 811 with arginine.
Molecular consequence: missense variant.
Genome position (GRCh38, 1-based): chr16:51,139,791, C>G on the plus strand (G>C on the coding strand, the complement: SALL1 is on the minus strand). VCF-style: chr16-51139791-C-G. GRCh37 (hg19) VCF-style: chr16-51173702-C-G.
Other names: c.2140G>C, p.Gly714Arg (NM_001127892.2); short protein forms G714R, G811R.
Identifiers: ClinVar variation 2646523 (VCV002646523.24), dbSNP rs2506486834, ClinGen allele CA395884911.
Genomic context (GRCh38, chr16:51,139,791, plus strand): 5'-CTTCCATGTTTTCATCAGAGAAGTTGTCTAGGTCATCAAAATTTTTCTCATCAAAGGAAC[C>G]TGTGTCAGACTCCATGGACTCAGAGTAGCTGTCGGGGACTGGGGTGTTGGGGATCTGGCC-3'
Protein context (NP_002959.2, residues 801-821): SYSESMESDT[Gly811Arg]SFDEKNFDDL